The following is an entry in ClinVar:

NM_001123385.2(BCOR):c.2545_2623del (p.His849fs)

Gene: BCOR (BCL6 corepressor; minus strand). Cytogenetic location: Xp11.4.
Variant type: Deletion.
Coding change: c.2545_2623del on transcript NM_001123385.2 (MANE Select); coding-DNA positions 2545 to 2623, 79 bases deleted.
Protein change: p.His849fs; shifts the reading frame from histidine 849.
Molecular consequence: frameshift variant.
Genome position (GRCh38, 1-based): chrX:40,072,723-40,072,801, 79 bases deleted. GRCh37 (hg19): chrX:39,931,979-39,932,057.
Other names: c.2542_2620del79, p.His849Serfs (NM_001123383.2, NM_001123385.1); c.2545_2623del, p.His849fs (NM_001123384.2, NM_017745.6); short protein forms H849fs.
Identifiers: ClinVar variation 3254715 (VCV003254715.1), dbSNP rs2519930695.

ClinVar aggregate classification (germline): Pathogenic (1 of 4 stars; one submission).

Conditions:
Oculofaciocardiodental syndrome (MCOPS2). Identifiers: Orphanet 2712, MedGen C1846265, MONDO:0010261, OMIM 300166.

Submission:

Victorian Clinical Genetics Services, Murdoch Childrens Research Institute
Classification: Pathogenic for Oculofaciocardiodental syndrome. Last evaluated: 2023-07-16. Review status: criteria provided, single submitter. Criteria: ACMG Guidelines, 2015. Collection method: clinical testing. Allele origin: germline. Inheritance: X-linked dominant inheritance. Affected: yes.
Comment: Based on the classification scheme VCGS_Germline_v1.3.4, this variant is classified as Pathogenic. Following criteria are met: 0102 - Loss of function is a known mechanism of disease in this gene and is associated with microphthalmia, syndromic 2 (MIM#300166). (I) 0110 - This gene is associated with X-linked dominant disease. (I) 0201 - Variant is predicted to cause nonsense-mediated decay (NMD) and loss of protein (premature termination codon is located at least 54 nucleotides upstream of the final exon-exon junction). (SP) 0251 - This variant is heterozygous. (I) 0301 - Variant is absent from gnomAD (both v2 and v3). (SP) 0701 - Other NMD-predicted variants comparable to the one identified in this case have very strong previous evidence for pathogenicity. These variants have been reported many times as pathogenic (DECIPHER). (SP) 0807 - This variant has no previous evidence of pathogenicity. (I) 0905 - No published segregation evidence has been identified for this variant. (I) 1007 - No published functional evidence has been identified for this variant. (SP) Legend: (SP) - Supporting pathogenic, (I) - Information, (SB) - Supporting benign